The following is an entry in ClinVar:

NM_015466.4(PTPN23):c.3653C>T (p.Ser1218Leu)

Gene: PTPN23 (protein tyrosine phosphatase non-receptor type 23; plus strand). Cytogenetic location: 3p21.31.
Variant type: single nucleotide variant.
Coding change: c.3653C>T on transcript NM_015466.4 (MANE Select); coding-DNA position 3653, C replaced by T.
Protein change: p.Ser1218Leu; replaces serine 1218 with leucine.
Molecular consequence: missense variant.
Genome position (GRCh38, 1-based): chr3:47,411,451, C>T. VCF-style: chr3-47411451-C-T. GRCh37 (hg19) VCF-style: chr3-47452941-C-T.
Other names: c.3275C>T, p.Ser1092Leu (NM_001304482.2); short protein forms S1218L, S1092L.
Identifiers: ClinVar variation 1471847 (VCV001471847.6), dbSNP rs2107725312, ClinGen allele CA352563208.

ClinVar aggregate classification (germline): Uncertain significance (1 of 4 stars; one submission).

Submission:

Labcorp Genetics (formerly Invitae), Labcorp
Classification: Uncertain significance. Last evaluated: 2021-10-27. Review status: criteria provided, single submitter. Criteria: Invitae Variant Classification Sherloc (09022015). Collection method: clinical testing. Allele origin: germline.
Comment: In summary, the available evidence is currently insufficient to determine the role of this variant in disease. Therefore, it has been classified as a Variant of Uncertain Significance. Algorithms developed to predict the effect of missense changes on protein structure and function are either unavailable or do not agree on the potential impact of this missense change (SIFT: "Tolerated"; PolyPhen-2: "Probably Damaging"; Align-GVGD: "Class C0"). This variant has not been reported in the literature in individuals affected with PTPN23-related conditions. This variant is not present in population databases (gnomAD no frequency). This sequence change replaces serine, a(n) neutral and polar amino acid, with leucine, a(n) neutral and non-polar amino acid, at codon 1218 of the PTPN23 protein (p.Ser1218Leu).